The following is an entry in ClinVar:

ClinVar aggregate classification (germline): Conflicting classifications of pathogenicity. Review status: criteria provided, conflicting classifications (1 of 4 stars). 3 submissions from 3 submitters: Uncertain significance (1); Likely benign (2). Last evaluated 2026-10-01.

Conditions:
Noonan syndrome 10 (NS10). Identifiers: Orphanet 648, MedGen C4225280, MONDO:0014693, OMIM 616564.

Allele frequency attached by ClinVar (database versions not stated): gnomAD exomes below 0.00001 and 0.00001; ExAC 0.00002; TOPMed 0.00002.
gnomAD v4.1: 6 of 1,603,716 alleles (0.00037%); highest among the groups gnomAD compares: East Asian, 0.0022%; no homozygotes.

Submissions (3):

St. Jude Molecular Pathology, St. Jude Children's Research Hospital
Classification: Uncertain significance for Noonan syndrome 10. Last evaluated: 2026-10-01. Review status: criteria provided, single submitter. Criteria: St. Jude Assertion Criteria 2020. Collection method: clinical testing. Allele origin: germline.
Comment: The LZTR1 c.1616-18G>A intronic change res ults in a G to A substitution at the -18 position of intron 14 of the LZTR1 gene. Algorithms that predict the impact of sequence changes on splicing indicate that this change may impact splicing but to our knowledge these predictions have not been confir med by RNA studies. To our knowledge, this variant has not been reported in individuals with Noonan syndrome or schwannomatosis. In summary, the evidence currently available is insufficient to determine the clinical significance of this variant. It has therefore been classified as of uncertain significance.

Labcorp Genetics (formerly Invitae), Labcorp
Classification: Likely benign. Last evaluated: 2025-04-27. Review status: criteria provided, single submitter. Criteria: Invitae Variant Classification Sherloc (09022015). Collection method: clinical testing. Allele origin: germline.

Blueprint Genetics
Classification: Likely benign. Last evaluated: 2019-11-25. Review status: criteria provided, single submitter. Criteria: ACMG Guidelines, 2015. Collection method: clinical testing. Allele origin: germline.

NM_006767.4(LZTR1):c.1616-18G>A

Gene: LZTR1 (leucine zipper like post translational regulator 1; plus strand). Cytogenetic location: 22q11.21.
Variant type: single nucleotide variant.
Coding change: c.1616-18G>A on transcript NM_006767.4 (MANE Select); 18 bases into the intron before coding-DNA position 1616, G replaced by A.
Molecular consequence: intron variant.
Genome position (GRCh38, 1-based): chr22:20,994,540, G>A. VCF-style: chr22-20994540-G-A. GRCh37 (hg19) VCF-style: chr22-21348829-G-A.
Identifiers: ClinVar variation 1622109 (VCV001622109.10), dbSNP rs757665690, ClinGen allele CA10118996.